The following is an entry in ClinVar:

NM_002661.5(PLCG2):c.2054+102C>T

Gene: PLCG2 (phospholipase C gamma 2; plus strand). Cytogenetic location: 16q23.3.
Variant type: single nucleotide variant.
Coding change: c.2054+102C>T on transcript NM_002661.5 (MANE Select); 102 bases into the intron after coding-DNA position 2054, C replaced by T.
Molecular consequence: intron variant.
Genome position (GRCh38, 1-based): chr16:81,912,818, C>T. VCF-style: chr16-81912818-C-T. GRCh37 (hg19) VCF-style: chr16-81946423-C-T.
Identifiers: ClinVar variation 1252391 (VCV001252391.5), dbSNP rs4243222, ClinGen allele CA14229479.

ClinVar aggregate classification (germline): Benign. Review status: criteria provided, multiple submitters, no conflicts (2 of 4 stars). 3 submissions from 3 submitters: Benign (3). Last evaluated 2024-01-24.

Allele frequency attached by ClinVar (database versions not stated): gnomAD 0.40673 and 0.41556; TOPMed 0.43089; 1000 Genomes Project 30x 0.49859; 1000 Genomes Project 0.50359.
gnomAD v4.1: 560,552 of 1,362,344 alleles (41%); highest among the groups gnomAD compares: East Asian, 77%; 119,602 homozygotes.

Submissions (3):

Unidad de Genómica Garrahan, Hospital de Pediatría Garrahan
Classification: Benign. Last evaluated: 2024-01-24. Review status: criteria provided, single submitter. Criteria: ACMG Guidelines, 2015. Collection method: clinical testing. Allele origin: germline. Affected: no. Observed: 65 variant alleles.
Comment: This variant is classified as Benign based on local population frequency. This variant was detected in 74% of patients studied by a panel of primary immunodeficiencies. Number of patients: 65. Only high quality variants are reported.

GeneDx
Classification: Benign. Last evaluated: 2021-05-15. Review status: criteria provided, single submitter. Criteria: GeneDx Variant Classification Process June 2021. Collection method: clinical testing. Allele origin: germline. Affected: yes.

Breakthrough Genomics
Classification: Benign. Review status: criteria provided, single submitter. Criteria: ACMG Guidelines, 2015. Collection method: not provided. Allele origin: germline. Inheritance: Autosomal dominant inheritance. Affected: yes.